The following is an entry in ClinVar:

NM_000517.6(HBA2):c.420del (p.Lys140fs)

Genes: HBA2 (hemoglobin subunit alpha 2; plus strand), LOC106804612 (hemoglobin subunit alpha 2 recombination region; plus strand). Cytogenetic location: 16p13.3.
Variant type: Deletion.
Coding change: c.420del on transcript NM_000517.6 (MANE Select); coding-DNA position 420, one base deleted (A; older notation c.420delA).
Protein change: p.Lys140fs; shifts the reading frame from lysine 140.
Molecular consequence: frameshift variant.
Genome position (GRCh38, 1-based): chr16:173,591, A deleted; the last of 3 consecutive A bases (chr16:173,589-173,591); deleting any one gives the same sequence. VCF-style (leftmost placement, unchanged base first): chr16-173588-CA-C. GRCh37 (hg19) VCF-style: chr16-223587-CA-C.
Other names: K139N; short protein forms K140fs.
Identifiers: ClinVar variation 15629 (VCV000015629.20), dbSNP rs63750520, ClinGen allele CA125556.
Genomic context (GRCh38, chr16:173,588, plus strand): 5'-CCCTGCGGTGCACGCCTCCCTGGACAAGTTCCTGGCTTCTGTGAGCACCGTGCTGACCTC[CA>C]AATACCGTTAAGCTGGAGCCTCGGTAGCCGTTCCTCCTGCCCGCTGGGCCTCCCAACGGG-3'

ClinVar aggregate classification (germline): Conflicting classifications of pathogenicity. Review status: criteria provided, conflicting classifications (1 of 4 stars). 4 submissions from 4 submitters: Pathogenic (1); Uncertain significance (1). 2 of the submissions do not count toward it. Last evaluated 2025-01-21.

Conditions:
HEMOGLOBIN WAYNE.
alpha Thalassemia. Also called: Alpha thalassemia spectrum. Identifiers: Orphanet 846, MedGen C0002312, MONDO:0011399, OMIM 604131.

Submissions (4):

ARUP Laboratories, Molecular Genetics and Genomics, ARUP Laboratories
Classification: Uncertain significance. Last evaluated: 2025-01-21. Review status: criteria provided, single submitter. Criteria: ARUP Molecular Germline Variant Investigation Process 2024. Collection method: clinical testing. Allele origin: germline.
Comment: The HBA2 c.420del; p.Lys140AsnfsTer9 variant (Hb Wayne, also known as Lys139fs when numbered from the mature protein; rs63750520; HbVar ID: 702) has been reported in individuals with no clinical abnormalities (Salkie 1992, Seid-Akhavan 1976, HbVar database); however, its phenotype in the presence of other pathogenic globin variants is uncertain. The variant hemoglobin comprises 4-6% (Seid-Akhavan 1976) or 12-16% of total hemoglobin (Huisman 1984), depending on the purification methodology. Functional characterization of the variant hemoglobin indicates increased oxygen affinity and strong reduction in Bohr effect (Huisman 1984). The variant is listed in ClinVar (Variation ID: 15629) and is only observed on one allele in the Genome Aggregation Database, indicating it is not a common polymorphism. The variant causes a frameshift that replaces the last three amino acids with eight novel amino acids at the C terminus. Although the variant causes protein translation past the canonical termination codon, it is not predicted to impact the downstream polyadenylation site (PolyA signal miner). Due to the limited information regarding this variant, its clinical significance cannot be determined with certainty. References: Link to HbVar database: Huisman T et al. Hb Wayne, the frameshift variant with extended alpha chains observed in a Caucasian family from Alabama. Hemoglobin. 1984; 8(1):1-15. PMID: 6327575. Salkie M et al. A Canadian family with Hb Wayne; characterization by HPLC and DNA sequencing. Hemoglobin. 1992; 16(6):515-9. PMID: 1487423. Seid-Akhavan M et al. Hemoglobin Wayne: a frameshift mutation detected in human hemoglobin alpha chains. Proc Natl Acad Sci U S A. 1976; 73(3):882-6. PMID: 1062801.

Quest Diagnostics Nichols Institute San Juan Capistrano
Classification: Pathogenic. Last evaluated: 2016-12-20. Review status: criteria provided, single submitter. Criteria: Quest Diagnostics criteria. Collection method: clinical testing. Allele origin: germline.

OMIM
Classification: other for HEMOGLOBIN WAYNE. Last evaluated: 2022-09-12. Review status: no assertion criteria provided. Collection method: literature only. Allele origin: germline. Not counted in ClinVar's aggregate classification.

Natera, Inc.
Classification: Uncertain significance for Alpha thalassemia. Last evaluated: 2021-02-09. Review status: no assertion criteria provided. Collection method: clinical testing. Allele origin: germline. Not counted in ClinVar's aggregate classification.

Literature cited by the submitters: PubMed 1487423 (cited by Quest Diagnostics Nichols Institute San Juan Capistrano and OMIM); PubMed 6994493 (cited by Quest Diagnostics Nichols Institute San Juan Capistrano and OMIM); PubMed 1062801 (cited by Quest Diagnostics Nichols Institute San Juan Capistrano and OMIM); PubMed 6327575 (cited by Quest Diagnostics Nichols Institute San Juan Capistrano); PubMed 26635043 (cited by Quest Diagnostics Nichols Institute San Juan Capistrano); PubMed 26247176 (cited by Quest Diagnostics Nichols Institute San Juan Capistrano); PubMed 26294665 (cited by Quest Diagnostics Nichols Institute San Juan Capistrano).